The following is an entry in ClinVar:

ClinVar aggregate classification (germline): Uncertain significance. Review status: criteria provided, multiple submitters, no conflicts (2 of 4 stars). 2 submissions from 2 submitters: Uncertain significance (2). Last evaluated 2026-08-31.

Conditions:
BBS4-related disorder. Also called: BBS4-related condition.
Inborn genetic diseases. Identifiers: MedGen C0950123, MeSH D030342.

gnomAD v4.1: 2 of 1,613,966 alleles (0.00012%); highest among the groups gnomAD compares: Admixed American, 0.0017%; no homozygotes.

Submissions (2):

PreventionGenetics, part of Exact Sciences
Classification: Uncertain significance for BBS4-related condition. Last evaluated: 2026-08-31. Review status: criteria provided, single submitter. Criteria: ACMG Guidelines, 2015. Collection method: clinical testing. Allele origin: germline.
Comment: The BBS4 c.689C>T variant is predicted to result in the amino acid substitution p.Thr230Ile. To our knowledge, this variant has not been reported in the literature or in a large population database (gnomAD), indicating this variant is rare. At this time, the clinical significance of this variant is uncertain due to the absence of conclusive functional and genetic evidence.

Ambry Genetics
Classification: Uncertain significance for Inborn genetic diseases. Last evaluated: 2024-04-06. Review status: criteria provided, single submitter. Criteria: Ambry Variant Classification Scheme 2023. Collection method: clinical testing. Allele origin: germline.

NM_033028.5(BBS4):c.689C>T (p.Thr230Ile)

Gene: BBS4 (Bardet-Biedl syndrome 4; plus strand). Cytogenetic location: 15q24.1.
Variant type: single nucleotide variant.
Coding change: c.689C>T on transcript NM_033028.5 (MANE Select); coding-DNA position 689, C replaced by T.
Protein change: p.Thr230Ile; replaces threonine 230 with isoleucine.
Molecular consequence: missense variant. On other transcripts: non-coding transcript variant (2), intron variant (1).
Genome position (GRCh38, 1-based): chr15:72,729,662, C>T. VCF-style: chr15-72729662-C-T. GRCh37 (hg19) VCF-style: chr15-73022003-C-T.
Other names: c.173C>T, p.Thr58Ile (NM_001252678.2); c.643-1643C>T (NM_001320665.2); c.689C>T (NM_033028.4); short protein forms T230I, T58I.
Identifiers: ClinVar variation 3260541 (VCV003260541.3).
Genomic context (GRCh38, chr15:72,729,662, plus strand): 5'-GCTTTTTTTCCAAGCTCGGCATTTACCAGAAGGCATTTGAACATCTTGGCAATGCACTGA[C>T]TTATGACCCTACCAACTACAAGGTATTACAGGCTGTGAAGGCTCTGGCCTTCATATAGAC-3'
Protein context (NP_149017.2, residues 220-240): KAFEHLGNAL[Thr230Ile]YDPTNYKAIL